The following is an entry in ClinVar:

ClinVar aggregate classification (germline): Uncertain significance (1 of 4 stars; one submission).

Conditions:
Agammaglobulinemia 6, autosomal recessive (AGM6). Also called: AGAMMAGLOBULINEMIA 6; AGAMMAGLOBULINEMIA, AUTOSOMAL RECESSIVE, DUE TO CD79B DEFECT. Identifiers: MedGen C3150207, MONDO:0012987, OMIM 612692.

Allele frequency attached by ClinVar (database versions not stated): gnomAD exomes below 0.00001 and 0.00005; gnomAD 0.00001 and 0.00003; TOPMed 0.00002; ExAC 0.00006; 1000 Genomes Project 0.00060; 1000 Genomes Project 30x 0.00062.
gnomAD v4.1: 12 of 1,613,988 alleles (0.00074%); highest among the groups gnomAD compares: East Asian, 0.02%; no homozygotes.

Submission:

Labcorp Genetics (formerly Invitae), Labcorp
Classification: Uncertain significance for Agammaglobulinemia 6, autosomal recessive. Last evaluated: 2021-08-23. Review status: criteria provided, single submitter. Criteria: Invitae Variant Classification Sherloc (09022015). Collection method: clinical testing. Allele origin: germline.
Comment: This sequence change affects codon 197 of the CD79B mRNA. It is a 'silent' change, meaning that it does not change the encoded amino acid sequence of the CD79B protein. This variant also falls at the last nucleotide of exon 5, which is part of the consensus splice site for this exon. This variant is present in population databases (rs199859520, ExAC 0.08%). This variant has not been reported in the literature in individuals with CD79B-related conditions. Nucleotide substitutions within the consensus splice site are a relatively common cause of aberrant splicing (PMID: 17576681, 9536098). Experimental studies and prediction algorithms are not available or were not evaluated, and the effect of this variant on mRNA splicing is currently unknown. In summary, the available evidence is currently insufficient to determine the role of this variant in disease. Therefore, it has been classified as a Variant of Uncertain Significance.

Literature cited by the submitters: PubMed 17576681; PubMed 9536098.

NM_000626.4(CD79B):c.591G>A (p.Glu197=)

Genes: CD79B (CD79b molecule; minus strand), GH-LCR (growth hormone locus control region; plus strand). Cytogenetic location: 17q23.3.
Variant type: single nucleotide variant.
Coding change: c.591G>A on transcript NM_000626.4 (MANE Select); coding-DNA position 591, G replaced by A.
Protein change: p.Glu197=; no amino-acid change (glutamic acid 197 retained).
Molecular consequence: synonymous variant.
Genome position (GRCh38, 1-based): chr17:63,929,434, C>T on the plus strand (G>A on the coding strand, the complement: CD79B is on the minus strand). VCF-style: chr17-63929434-C-T. GRCh37 (hg19) VCF-style: chr17-62006794-C-T.
Other names: c.594G>A, p.Glu198= (NM_001039933.3); c.282G>A, p.Glu94= (NM_001329050.2); c.279G>A, p.Glu93= (NM_021602.4).
Identifiers: ClinVar variation 1418607 (VCV001418607.3), dbSNP rs199859520, ClinGen allele CA8708497.